The following is an entry in ClinVar:

NM_006929.5(SKIC2):c.2446del (p.Glu816fs)

Gene: SKIC2 (SKI2 subunit of superkiller complex; plus strand). Cytogenetic location: 6p21.33.
Variant type: Deletion.
Coding change: c.2446del on transcript NM_006929.5 (MANE Select); coding-DNA position 2446, one base deleted (G; older notation c.2446delG).
Protein change: p.Glu816fs; shifts the reading frame from glutamic acid 816.
Molecular consequence: frameshift variant.
Genome position (GRCh38, 1-based): chr6:31,967,109, G deleted; the last of 6 consecutive G bases (chr6:31,967,104-31,967,109); deleting any one gives the same sequence. VCF-style (leftmost placement, unchanged base first): chr6-31967103-TG-T. GRCh37 (hg19) VCF-style: chr6-31934880-TG-T.
Other names: short protein forms E816fs.
Identifiers: ClinVar variation 2874817 (VCV002874817.4), dbSNP rs768446878, ClinGen allele CA566693063.
Genomic context (GRCh38, chr6:31,967,103, plus strand): 5'-GGAGCTTTGGAGGAGCCTGACATGACTGGCCAACTGGTCGACCTGCCTGAATATTACAGC[TG>T]GGGGGAGGAACTGACAGAGACCCAGCACATGATCCAGGTGAGCAAGTGTGAGTGCTGAGG-3'

ClinVar aggregate classification (germline): Pathogenic/Likely pathogenic. Review status: criteria provided, multiple submitters, no conflicts (2 of 4 stars). 2 submissions from 2 submitters: Pathogenic (1); Likely pathogenic (1). Last evaluated 2024-10-04.

Conditions:
SKIC2 & SKIV2L-related disorders.

Submissions (2):

Blueprint Genetics
Classification: Likely pathogenic for SKIC2 & SKIV2L-related disorders. Last evaluated: 2024-10-04. Review status: criteria provided, single submitter. Criteria: ACMG Guidelines, 2015. Collection method: clinical testing. Allele origin: germline. Affected: yes. Observed: 2 variant alleles.

Labcorp Genetics (formerly Invitae), Labcorp
Classification: Pathogenic. Last evaluated: 2024-03-01. Review status: criteria provided, single submitter. Criteria: Invitae Variant Classification Sherloc (09022015). Collection method: clinical testing. Allele origin: germline.
Comment: This sequence change creates a premature translational stop signal (p.Glu816Argfs*3) in the SKIV2L gene. It is expected to result in an absent or disrupted protein product. Loss-of-function variants in SKIV2L are known to be pathogenic (PMID: 22444670). The frequency data for this variant in the population databases is considered unreliable, as metrics indicate poor data quality at this position in the gnomAD database. This variant has not been reported in the literature in individuals affected with SKIV2L-related conditions. For these reasons, this variant has been classified as Pathogenic.

Literature cited by the submitters: PubMed 22444670 (cited by Labcorp Genetics (formerly Invitae), Labcorp).